The following is an entry in ClinVar:

NM_020937.4(FANCM):c.5791C>T (p.Arg1931Ter)

Gene: FANCM (FA complementation group M; plus strand). Cytogenetic location: 14q21.2.
Variant type: single nucleotide variant.
Coding change: c.5791C>T on transcript NM_020937.4 (MANE Select); coding-DNA position 5791, C replaced by T.
Protein change: p.Arg1931Ter; replaces arginine 1931 with a stop codon.
Molecular consequence: nonsense.
Genome position (GRCh38, 1-based): chr14:45,198,718, C>T. VCF-style: chr14-45198718-C-T. GRCh37 (hg19) VCF-style: chr14-45667921-C-T.
Other names: FANCM, ARG1931TER (rs144567652); c.5791C>T (LRG_502t1); c.5713C>T, p.Arg1905Ter (NM_001308133.2); short protein forms R1931*, R1905*.
Identifiers: ClinVar variation 526381 (VCV000526381.80), dbSNP rs144567652, ClinGen allele CA7170069.
Genomic context (GRCh38, chr14:45,198,718, plus strand): 5'-ATGTTTAGGAGAACAAAGAGCTATGACAGCCTGCTGACTACCTTAATTGGCGCTGGAATC[C>T]GAATTCTTTTCAGTTCCTGCCAAGAAGAAACCGCAGATTTGCTAAAGGAACTGTCTTTAG-3'

ClinVar aggregate classification (germline): Pathogenic/Likely pathogenic. Review status: criteria provided, multiple submitters, no conflicts (2 of 4 stars). 21 submissions from 20 submitters: Pathogenic (10); Likely pathogenic (7). 4 of the submissions do not count toward it. Last evaluated 2026-08-01.

Conditions:
FANCM-related disorder. Also called: FANCM-related condition.
Spermatogenic failure 28. Identifiers: MedGen C4748117, MONDO:0054732, OMIM 618086.
Premature ovarian failure 15. Identifiers: MedGen C4748170, MONDO:0054862, OMIM 618096.
Malignant germ cell tumor of ovary. Also called: Ovarian germ cell cancer. Identifiers: Orphanet 35807, MedGen C0346180, MONDO:0018171, OMIM 603737.
Azoospermia. Identifiers: MedGen C0004509, MeSH D053713, MONDO:0100459, HP:0000027, MONDO:0004983.
FANCM Fanconi-like genomic instability disorder. Identifiers: MedGen CN379138, MONDO:0100578.
Familial cancer of breast. Also called: BREAST CANCER, FAMILIAL; Hereditary breast cancer; hereditary breast carcinoma. Identifiers: Orphanet 227535, MedGen C0346153, MONDO:0016419, OMIM 114480. Disease mechanism: loss of function.
Fanconi anemia (FA). Also called: Fanconi's anemia. Identifiers: Orphanet 84, MedGen C0015625, MeSH D005199, MONDO:0019391.
Hereditary nonpolyposis colorectal carcinoma. Identifiers: MedGen C4024989, HP:0006716.

Allele frequency attached by ClinVar (database versions not stated): gnomAD 0.00082 and 0.00088; 1000 Genomes Project 0.00060; TOPMed 0.00060; 1000 Genomes Project 30x 0.00047; ESP Exome Variant Server 0.00085.

Submissions 1 to 10 of 21:

CeGaT Center for Human Genetics Tuebingen
Classification: Pathogenic. Last evaluated: 2026-08-01. Review status: criteria provided, single submitter. Criteria: CeGaT Center For Human Genetics Tuebingen Variant Classification Criteria Version 2. Collection method: clinical testing. Allele origin: germline. Affected: yes. Observed: 6 variant alleles.
Comment: FANCM: PVS1, PS4:Moderate

PreventionGenetics, part of Exact Sciences
Classification: Likely pathogenic for FANCM-related condition. Last evaluated: 2026-05-24. Review status: criteria provided, single submitter. Criteria: ACMG Guidelines, 2015. Collection method: clinical testing. Allele origin: germline.
Comment: The FANCM c.5791C>T variant is predicted to result in premature protein termination (p.Arg1931*). In case-control studies, this variant was found to be a risk factor for familial breast cancer (Peterlongo et al. 2015. PubMed ID: 26130695), triple negative breast cancer (Kiiski et al. 2017. PubMed ID: 28702895; Figlioli et al. 2019. PubMed ID: 31700994), colorectal cancer (Cannon-Albright et al. 2020. PubMed ID: 33118316; Smith et al. 2013. PubMed ID: 23585368), and ovarian cancer (Dicks et al. 2017. PubMed ID: 28881617). This variant has also been reported in the homozygous state in an individual with triple-negative breast cancer and in individuals with non-obstructive azoospermia; however, none of these individuals exhibited features of Fanconi anemia (Table 1, Catucci et al. 2018. PubMed ID: 28837162; Table 2, Kasak et al. 2018. PubMed ID: 30075111; Table 1, Kherraf et al. 2022. PubMed ID: 35172124). In vitro studies demonstrate that this variant results in exon 22 skipping, which is predicted to cause a premature translation stop codon (Peterlongo et al. 2015. PubMed ID: 26130695). This variant is reported in 0.46% of alleles in individuals of European (Finnish) descent in gnomAD with no homozygous individuals, indicating it is relatively common in the general population. It is classified as likely pathogenic or pathogenic in ClinVar (Variation ID: 526381). This variant is classified as likely pathogenic, but has reduced penetrance compared with other pathogenic FANCM variants.

Labcorp Genetics (formerly Invitae), Labcorp
Classification: Pathogenic for Fanconi anemia. Last evaluated: 2026-01-13. Review status: criteria provided, single submitter. Criteria: Invitae Variant Classification Sherloc (09022015). Collection method: clinical testing. Allele origin: germline.
Comment: This sequence change creates a premature translational stop signal (p.Arg1931*) in the FANCM gene. RNA analysis indicates that this premature translational stop signal induces altered splicing and likely results in a shortened protein product. This variant is present in population databases (rs144567652, gnomAD 0.4%), and has an allele count higher than expected for a pathogenic variant. This premature translational stop signal has been observed in individual(s) with non-obstructive azoospermia and breast cancer. Additionally, in a case-control study this variant has been reported as a potential breast cancer risk factor in Southwestern Europeans (OR = 3.93, 95% CI [1.28–12.11], P = 0.017), and has been observed more frequently in individuals with triple-negative breast cancer in the Finnish population (OR= 5.14, 95% CI [1.65–16.0], P = 0.005) (PMID: 26130695, 28702895, 28837162, 30075111). ClinVar contains an entry for this variant (Variation ID: 526381). Experimental studies have shown that this sequence change can result in the skipping of exon 22, and that an exon 22 deletion variant could not rescue mitomycin C sensitivity or a diepoxybutane-induced chromosome fragility phenotype in a FANCM-deficient mouse fibroblast line (PMID: 26130695). This variant disrupts the C-terminal ERCC4 nuclease domain and the helix-hairpin-helix (HhH) motifs of the FANCM protein, which are critical for the interaction between FANCM and FAAP24, chromatin localization of the FANCM/FAAP24 complex and the activation of the FA core complex (PMID: 17289582, 23932590, 18174376, 19379763, 24003026). While functional studies have not been performed to directly test the effect of this variant on FANCM protein function, this suggests that disruption of this region of the protein may be causative of disease. For these reasons, this variant has been classified as Pathogenic.

GeneDx
Classification: Likely pathogenic. Last evaluated: 2025-12-11. Review status: criteria provided, single submitter. Criteria: GeneDx Variant Classification Process June 2021. Collection method: clinical testing. Allele origin: germline. Affected: yes.
Comment: Nonsense variant demonstrated to create a splicing defect resulting in skipping of exon 22 and protein truncation (PMID: 30779244, 26130695); Observed in the homozygous state in adults with cancer, chemotherapy toxicity, and/or reduced fertility, but without other features of Fanconi anemia (PMID: 28837162, 30075111, 35172124); Observed in the heterozygous state in individuals with breast, ovarian, colorectal, and other cancers (PMID: 23585368, 27713038, 28881617, 30927251, 32113160, 31991861, 33099839); Case-control studies suggest this variant is associated with presence of triple negative or familial breast cancer, but association with unselected breast cancer was not statistically significant (PMID: 26130695, 23409019, 28702895, 31700994, 34117267); Segregated with colorectal cancer in two kindreds, but under further review with a case-control study this variant did not reach a statistically significant association with colorectal cancer (PMID: 33118316); Published functional studies suggest a damaging effect: impaired DNA repair activities, cell survival, and chromosome stability (PMID: 28837157, 26130695, 31700994); This variant is associated with the following publications: (PMID: 40008663, 23585368, 26822949, 26130695, 23409019, 28702895, 28881617, 28687971, 28837162, 29287190, 30075111, 30267214, 30426508, 28591191, 28033443, 30779244, 27713038, 30927251, 28837157, 31078449, 25078778, 31700994, 29560538, 30676620, 32113160, 32235514, 31991861, 33036707, 33099839, 34326862, 36099812, 36732629, 32191290, 37608704, 36551643, 34887416, 34482403, 34426522, 40642874, 32338768, 33471991, 40965863, 40841357, 40009290, 33804961, 33809641, 31345219, 34308104, 31263571, 34117267, 35172124, 35739278, 36944283, 38633426, 37450374, 36572685, 34301788, 38846492, 33118316, 38523675, 39794353, 39400928)

Department of Clinical Genetics, Copenhagen University Hospital, Rigshospitalet
Classification: Likely pathogenic for Fanconi anemia. Last evaluated: 2025-02-04. Review status: criteria provided, single submitter. Criteria: ACMG Guidelines, 2015. Collection method: clinical testing. Allele origin: germline.
Comment: PVS1

Blueprint Genetics
Classification: Likely pathogenic for FANCM-related disorders. Last evaluated: 2024-11-08. Review status: criteria provided, single submitter. Criteria: ACMG Guidelines, 2015. Collection method: clinical testing. Allele origin: germline. Affected: yes. Observed: 5 variant alleles.

Revvity Omics, Revvity
Classification: Likely pathogenic. Last evaluated: 2024-10-10. Review status: criteria provided, single submitter. Criteria: ACMG Guidelines, 2015. Collection method: clinical testing. Allele origin: germline.

Fulgent Genetics
Classification: Likely pathogenic for Spermatogenic failure 28; Premature ovarian failure 15. Last evaluated: 2024-05-24. Review status: criteria provided, single submitter. Criteria: ACMG Guidelines, 2015. Collection method: clinical testing. Allele origin: germline.

Department of Pathology and Laboratory Medicine, Sinai Health System
Classification: Pathogenic for Spermatogenic failure 28; Premature ovarian failure 15. Last evaluated: 2023-09-26. Review status: criteria provided, single submitter. Criteria: ACMG Guidelines, 2015. Collection method: research. Allele origin: germline.

Mendelics
Classification: Pathogenic for Spermatogenic failure 28. Last evaluated: 2022-05-04. Review status: criteria provided, single submitter. Criteria: Mendelics Assertion Criteria 2019. Collection method: clinical testing. Allele origin: germline.